The following is an entry in ClinVar:

ClinVar aggregate classification (germline): Benign/Likely benign. Review status: criteria provided, multiple submitters, no conflicts (2 of 4 stars). 6 submissions from 6 submitters: Benign (3); Likely benign (2). 1 of the submissions does not count toward it. Last evaluated 2025-12-16.

Conditions:
PRKN-related disorder. Also called: PRKN-related condition.
Autosomal recessive juvenile Parkinson disease 2. Also called: Parkinson disease autosomal recessive, early onset; Juvenile parkinsonism; Parkinsonism, early onset, with diurnal fluctuation; PRKN-Related Early-Onset Parkinson Disease; PARKINSON DISEASE, JUVENILE, AUTOSOMAL RECESSIVE; Parkinson disease, juvenile, type 2. Identifiers: Orphanet 2828, MedGen C1868675, MONDO:0010820, OMIM 600116.

Allele frequency attached by ClinVar (database versions not stated): gnomAD exomes 0.00093 and 0.00248; ExAC 0.00304; ESP Exome Variant Server 0.00938; gnomAD 0.00965 and 0.01025; TOPMed 0.01098; 1000 Genomes Project 0.01318; 1000 Genomes Project 30x 0.01437.
gnomAD v4.1: 2,868 of 1,614,188 alleles (0.18%); highest among the groups gnomAD compares: African/African-American, 3.4%; 55 homozygotes.

Submissions (6):

Labcorp Genetics (formerly Invitae), Labcorp
Classification: Benign. Last evaluated: 2025-12-16. Review status: criteria provided, single submitter. Criteria: Invitae Variant Classification Sherloc (09022015). Collection method: clinical testing. Allele origin: germline.

Athena Diagnostics
Classification: Benign. Last evaluated: 2023-10-20. Review status: criteria provided, single submitter. Criteria: Athena Diagnostics Criteria. Collection method: clinical testing. Allele origin: unknown.

GeneDx
Classification: Likely benign. Last evaluated: 2020-07-21. Review status: criteria provided, single submitter. Criteria: GeneDx Variant Classification Process June 2021. Collection method: clinical testing. Allele origin: germline. Affected: yes.

Illumina Laboratory Services, Illumina
Classification: Benign for Autosomal recessive juvenile Parkinson disease 2. Last evaluated: 2017-04-27. Review status: criteria provided, single submitter. Criteria: ICSL Variant Classification Criteria 13 December 2019. Collection method: clinical testing. Allele origin: germline.
Comment: This variant was observed as part of a predisposition screen in an ostensibly healthy population. A literature search was performed for the gene, cDNA change, and amino acid change (where applicable). No publications were found based on this search. Allele frequency data from public databases was too high to be consistent with this variant causing disease. Therefore, this variant is classified as benign.

Breakthrough Genomics
Classification: Likely benign. Review status: criteria provided, single submitter. Criteria: ACMG Guidelines, 2015. Collection method: not provided. Allele origin: germline. Inheritance: Autosomal recessive inheritance. Affected: yes.

PreventionGenetics, part of Exact Sciences
Classification: Benign for PRKN-related condition. Last evaluated: 2020-01-06. Review status: no assertion criteria provided. Collection method: clinical testing. Allele origin: germline. Not counted in ClinVar's aggregate classification.
Comment: This variant is classified as benign based on ACMG/AMP sequence variant interpretation guidelines (Richards et al. 2015 PMID: 25741868, with internal and published modifications).

Literature cited by the submitters: PubMed 18927607 (cited by Athena Diagnostics); PubMed 33519679 (cited by Athena Diagnostics); PubMed 18413468 (cited by Athena Diagnostics); PubMed 32970363 (cited by Athena Diagnostics); PubMed 32019516 (cited by Athena Diagnostics).

NM_004562.3(PRKN):c.957T>C (p.Gly319=)

Gene: PRKN (parkin RBR E3 ubiquitin protein ligase; minus strand). Cytogenetic location: 6q26.
Variant type: single nucleotide variant.
Coding change: c.957T>C on transcript NM_004562.3 (MANE Select); coding-DNA position 957, T replaced by C.
Protein change: p.Gly319=; no amino-acid change (glycine 319 retained).
Molecular consequence: synonymous variant.
Genome position (GRCh38, 1-based): chr6:161,548,980, A>G on the plus strand (T>C on the coding strand, the complement: PRKN is on the minus strand). VCF-style: chr6-161548980-A-G. GRCh37 (hg19) VCF-style: chr6-161970012-A-G.
Other names: c.873T>C, p.Gly291= (NM_013987.3); c.510T>C, p.Gly170= (NM_013988.3).
Identifiers: ClinVar variation 415532 (VCV000415532.23), dbSNP rs144340740, ClinGen allele CA4090088.
Genomic context (GRCh38, chr6:161,548,980, plus strand): 5'-CGCTCCACAGCCAGGGCGGGGGCATAACACGCCCCCCATCTGCAGGACACACTCCTCTGC[A>G]CCATACTGCTGGTACCGGTTGTACTGCAAAACCCAAAAAGCAGATTGAGCTTTCAAACTG-3'
Protein context (NP_004553.2, residues 309-329): EEQYNRYQQY[Gly319=]AEECVLQMGG